The following is an entry in ClinVar:

NM_001378120.1(MBD5):c.160C>G (p.Leu54Val)

Gene: MBD5 (methyl-CpG binding domain protein 5; plus strand). Cytogenetic location: 2q23.1.
Variant type: single nucleotide variant.
Coding change: c.160C>G on transcript NM_001378120.1 (MANE Select); coding-DNA position 160, C replaced by G.
Protein change: p.Leu54Val; replaces leucine 54 with valine.
Molecular consequence: missense variant.
Genome position (GRCh38, 1-based): chr2:148,462,628, C>G. VCF-style: chr2-148462628-C-G. GRCh37 (hg19) VCF-style: chr2-149220197-C-G.
Other names: c.160C>G, p.Leu54Val (NM_001438854.1, NM_001438855.1, NM_001438856.1 and 7 more transcripts); short protein forms L54V.
Identifiers: ClinVar variation 4281505 (VCV004281505.7).

ClinVar aggregate classification (germline): Uncertain significance (1 of 4 stars; one submission).

gnomAD v4.1: 2 of 1,613,082 alleles (0.00012%); highest among the groups gnomAD compares: Admixed American, 0.0017%; no homozygotes.

Submission:

CeGaT Center for Human Genetics Tuebingen
Classification: Uncertain significance. Last evaluated: 2025-10-01. Review status: criteria provided, single submitter. Criteria: CeGaT Center For Human Genetics Tuebingen Variant Classification Criteria Version 2. Collection method: clinical testing. Allele origin: germline. Affected: yes. Observed: 1 variant allele.
Comment: MBD5: PM2